The following is an entry in ClinVar:

ClinVar aggregate classification (germline): Likely benign (0 of 4 stars; one submission).

Conditions:
ATXN2-related disorder. Also called: ATXN2-related condition.

Allele frequency attached by ClinVar (database versions not stated): gnomAD 0.00001; TOPMed 0.00001; ExAC 0.00002.
gnomAD v4.1: 21 of 1,613,990 alleles (0.0013%); highest among the groups gnomAD compares: Middle Eastern, 0.016%; no homozygotes.

Submission:

PreventionGenetics, part of Exact Sciences
Classification: Likely benign for ATXN2-related condition. Last evaluated: 2019-05-28. Review status: no assertion criteria provided. Collection method: clinical testing. Allele origin: germline.
Comment: This variant is classified as likely benign based on ACMG/AMP sequence variant interpretation guidelines (Richards et al. 2015 PMID: 25741868, with internal and published modifications).

NM_001372574.1(ATXN2):c.2097G>A (p.Pro699=)

Gene: ATXN2 (ataxin 2; minus strand). Cytogenetic location: 12q24.12.
Variant type: single nucleotide variant.
Coding change: c.2097G>A on transcript NM_001372574.1 (MANE Select); coding-DNA position 2097, G replaced by A.
Protein change: p.Pro699=; no amino-acid change (proline 699 retained).
Molecular consequence: synonymous variant. On other transcripts: non-coding transcript variant (1).
Genome position (GRCh38, 1-based): chr12:111,488,619, C>T on the plus strand (G>A on the coding strand, the complement: ATXN2 is on the minus strand). VCF-style: chr12-111488619-C-T. GRCh37 (hg19) VCF-style: chr12-111926423-C-T.
Other names: c.1782G>A, p.Pro594= (NM_001310121.1); c.1710G>A, p.Pro570= (NM_001310123.1); c.2097G>A, p.Pro699= (NM_002973.4).
Identifiers: ClinVar variation 3039293 (VCV003039293.2), dbSNP rs763050707, ClinGen allele CA6790496.